The following is an entry in ClinVar:

NM_005101.4(ISG15):c.175C>T (p.Pro59Ser)

Gene: ISG15 (ISG15 ubiquitin like modifier; plus strand). Cytogenetic location: 1p36.33.
Variant type: single nucleotide variant.
Coding change: c.175C>T on transcript NM_005101.4 (MANE Select); coding-DNA position 175, C replaced by T.
Protein change: p.Pro59Ser; replaces proline 59 with serine.
Molecular consequence: missense variant.
Genome position (GRCh38, 1-based): chr1:1,014,155, C>T. VCF-style: chr1-1014155-C-T. GRCh37 (hg19) VCF-style: chr1-949535-C-T.
Other names: short protein forms P59S.
Identifiers: ClinVar variation 1474952 (VCV001474952.6), dbSNP rs1282569482, ClinGen allele CA337804171.
Genomic context (GRCh38, chr1:1,014,155, plus strand): 5'-CACGCCTTCCAGCAGCGTCTGGCTGTCCACCCGAGCGGTGTGGCGCTGCAGGACAGGGTC[C>T]CCCTTGCCAGCCAGGGCCTGGGCCCCGGCAGCACGGTCCTGCTGGTGGTGGACAAATGCG-3'
Protein context (NP_005092.1, residues 49-69): PSGVALQDRV[Pro59Ser]LASQGLGPGS

ClinVar aggregate classification (germline): Uncertain significance (1 of 4 stars; one submission).

Conditions:
Mendelian susceptibility to mycobacterial diseases due to complete ISG15 deficiency. Also called: IMMUNODEFICIENCY 38, MYCOBACTERIOSIS, AUTOSOMAL RECESSIVE; ISG15 DEFICIENCY, AUTOSOMAL RECESSIVE; Immunodeficiency 38 with basal ganglia calcification; Immunodeficiency 38. Identifiers: Orphanet 319563, MedGen C4015293, MONDO:0014502, OMIM 616126.

Allele frequency attached by ClinVar (database versions not stated): TOPMed below 0.00001; gnomAD 0.00001.

Submission:

Labcorp Genetics (formerly Invitae), Labcorp
Classification: Uncertain significance for Mendelian susceptibility to mycobacterial diseases due to complete ISG15 deficiency. Last evaluated: 2021-10-22. Review status: criteria provided, single submitter. Criteria: Invitae Variant Classification Sherloc (09022015). Collection method: clinical testing. Allele origin: germline.
Comment: This sequence change replaces proline with serine at codon 59 of the ISG15 protein (p.Pro59Ser). The proline residue is weakly conserved and there is a moderate physicochemical difference between proline and serine. This variant is not present in population databases (ExAC no frequency). This variant has not been reported in the literature in individuals affected with ISG15-related conditions. Algorithms developed to predict the effect of missense changes on protein structure and function output the following: SIFT: "Tolerated"; PolyPhen-2: "Benign"; Align-GVGD: "Class C0". The serine amino acid residue is found in multiple mammalian species, which suggests that this missense change does not adversely affect protein function. In summary, the available evidence is currently insufficient to determine the role of this variant in disease. Therefore, it has been classified as a Variant of Uncertain Significance.